The following is an entry in ClinVar:

NM_004204.5(PIGQ):c.488C>G (p.Ala163Gly)

Gene: PIGQ (phosphatidylinositol glycan anchor biosynthesis class Q; plus strand). Cytogenetic location: 16p13.3.
Variant type: single nucleotide variant.
Coding change: c.488C>G on transcript NM_004204.5 (MANE Select); coding-DNA position 488, C replaced by G.
Protein change: p.Ala163Gly; replaces alanine 163 with glycine.
Molecular consequence: missense variant.
Genome position (GRCh38, 1-based): chr16:574,562, C>G. VCF-style: chr16-574562-C-G. GRCh37 (hg19) VCF-style: chr16-624562-C-G.
Other names: c.488C>G, p.Ala163Gly (NM_148920.4); c.488C>G (NM_148920.1); short protein forms A163G.
Identifiers: ClinVar variation 1364928 (VCV001364928.9), dbSNP rs767292546, ClinGen allele CA7779884.

ClinVar aggregate classification (germline): Uncertain significance. Review status: criteria provided, multiple submitters, no conflicts (2 of 4 stars). 2 submissions from 2 submitters: Uncertain significance (2). Last evaluated 2021-11-08.

Conditions:
Inborn genetic diseases. Identifiers: MedGen C0950123, MeSH D030342.
Epilepsy. Also called: Seizure disorder. Identifiers: MedGen C0014544, MeSH D004827, MONDO:0005027.

Allele frequency attached by ClinVar (database versions not stated): TOPMed below 0.00001.

Submissions (2):

Ambry Genetics
Classification: Uncertain significance for Inborn genetic diseases. Last evaluated: 2021-11-08. Review status: criteria provided, single submitter. Criteria: Ambry Variant Classification Scheme 2023. Collection method: clinical testing. Allele origin: germline.

Labcorp Genetics (formerly Invitae), Labcorp
Classification: Uncertain significance for Epilepsy. Last evaluated: 2021-07-26. Review status: criteria provided, single submitter. Criteria: Invitae Variant Classification Sherloc (09022015). Collection method: clinical testing. Allele origin: germline.
Comment: This sequence change replaces alanine with glycine at codon 163 of the PIGQ protein (p.Ala163Gly). The alanine residue is weakly conserved and there is a small physicochemical difference between alanine and glycine. This variant is present in population databases (rs767292546, ExAC 0.002%). This variant has not been reported in the literature in individuals affected with PIGQ-related conditions. Algorithms developed to predict the effect of missense changes on protein structure and function (SIFT, PolyPhen-2, Align-GVGD) all suggest that this variant is likely to be tolerated. In summary, the available evidence is currently insufficient to determine the role of this variant in disease. Therefore, it has been classified as a Variant of Uncertain Significance.